The following is an entry in ClinVar:

ClinVar aggregate classification (germline): Uncertain significance (1 of 4 stars; one submission).

Conditions:
Neuropathy, hereditary sensory and autonomic, type 2A (HSAN2A). Also called: ACROOSTEOLYSIS, GIACCAI TYPE; ACROOSTEOLYSIS, NEUROGENIC; MORVAN DISEASE; NEUROPATHY, CONGENITAL SENSORY; NEUROPATHY, HEREDITARY SENSORY RADICULAR, AUTOSOMAL RECESSIVE; NEUROPATHY, HEREDITARY SENSORY, TYPE IIA. Identifiers: Orphanet 970, MedGen C2752089, MONDO:0024309, OMIM 201300.
Pseudohypoaldosteronism type 2C (PHA2C). Also called: Pseudohypoaldosteronism Type IIC. Identifiers: Orphanet 757, Orphanet 88940, MedGen C1840391, MONDO:0013778, OMIM 614492.

Allele frequency attached by ClinVar (database versions not stated): gnomAD 0.00001; gnomAD exomes 0.00001.

Submission:

Labcorp Genetics (formerly Invitae), Labcorp
Classification: Uncertain significance for Neuropathy, hereditary sensory and autonomic, type 2A; Pseudohypoaldosteronism type 2C. Last evaluated: 2022-11-10. Review status: criteria provided, single submitter. Criteria: Invitae Variant Classification Sherloc (09022015). Collection method: clinical testing. Allele origin: germline.
Comment: In summary, the available evidence is currently insufficient to determine the role of this variant in disease. Therefore, it has been classified as a Variant of Uncertain Significance. Advanced modeling of protein sequence and biophysical properties (such as structural, functional, and spatial information, amino acid conservation, physicochemical variation, residue mobility, and thermodynamic stability) performed at Invitae indicates that this missense variant is not expected to disrupt WNK1 protein function. This variant has not been reported in the literature in individuals affected with WNK1-related conditions. This variant is present in population databases (no rsID available, gnomAD 0.007%). This sequence change replaces glutamine, which is neutral and polar, with arginine, which is basic and polar, at codon 1491 of the WNK1 protein (p.Gln1491Arg).

NM_018979.4(WNK1):c.3716A>G (p.Gln1239Arg)

Gene: WNK1 (WNK lysine deficient protein kinase 1; plus strand). Cytogenetic location: 12p13.33.
Variant type: single nucleotide variant.
Coding change: c.3716A>G on transcript NM_018979.4 (MANE Select); coding-DNA position 3716, A replaced by G.
Protein change: p.Gln1239Arg; replaces glutamine 1239 with arginine.
Molecular consequence: missense variant.
Genome position (GRCh38, 1-based): chr12:883,826, A>G. VCF-style: chr12-883826-A-G. GRCh37 (hg19) VCF-style: chr12-992992-A-G.
Other names: c.4496A>G, p.Gln1499Arg (NM_001184985.2); c.2975A>G, p.Gln992Arg (NM_014823.3); c.4472A>G, p.Gln1491Arg (NM_213655.5); short protein forms Q1239R, Q1491R, Q992R, Q1499R.
Identifiers: ClinVar variation 2937010 (VCV002937010.3), dbSNP rs1205651013, ClinGen allele CA383329722.